The following is an entry in ClinVar:

NM_000368.5(TSC1):c.3444del (p.Gly1149fs)

Gene: TSC1 (TSC complex subunit 1; minus strand). Cytogenetic location: 9q34.13.
Variant type: Deletion.
Coding change: c.3444del on transcript NM_000368.5 (MANE Select); coding-DNA position 3444, one base deleted (T; older notation c.3444delT).
Protein change: p.Gly1149fs; shifts the reading frame from glycine 1149.
Molecular consequence: frameshift variant.
Genome position (GRCh38, 1-based): chr9:132,896,286, A deleted on the plus strand (T on the coding strand, the reverse complement: TSC1 is on the minus strand); the first of 2 consecutive A bases (chr9:132,896,286-132,896,287); deleting either gives the same sequence. VCF-style (leftmost placement, unchanged base first): chr9-132896285-CA-C. GRCh37 (hg19) VCF-style: chr9-135771672-CA-C.
Other names: c.3441del, p.Gly1148fs (NM_001162426.2); c.3291del, p.Gly1098fs (NM_001162427.2); c.3081del, p.Gly1028fs (NM_001362177.2); short protein forms G1028fs, G1098fs, G1148fs, G1149fs.
Identifiers: ClinVar variation 937380 (VCV000937380.9), dbSNP rs1845025560, ClinGen allele CA1139659368.
Genomic context (GRCh38, chr9:132,896,285, plus strand): 5'-CCATCATTCCTTAGCTGTGTTCATGATGAGTCTCATTGTAGTCCATGATATGTAGCTGTC[CA>C]ACACTGTCCGGGGTCGGGGGAGACGGGTGAGGGCCATCTAGGTTCAGGGGAATCTTGGCT-3'

ClinVar aggregate classification (germline): Uncertain significance (1 of 4 stars; one submission).

Conditions:
Tuberous sclerosis 1 (TSC1). Identifiers: Orphanet 805, MedGen C1854465, MONDO:0008612, OMIM 191100.

Submission:

Labcorp Genetics (formerly Invitae), Labcorp
Classification: Uncertain significance for Tuberous sclerosis 1. Last evaluated: 2019-06-13. Review status: criteria provided, single submitter. Criteria: Invitae Variant Classification Sherloc (09022015). Collection method: clinical testing. Allele origin: germline.
Comment: This sequence change results in a frameshift in the TSC1 gene (p.Gly1149Aspfs*19). While this is not anticipated to result in nonsense mediated decay, it is expected to disrupt the last 16 amino acids of the TSC1 protein and extend the protein by an additional 3 amino acids. This variant is not present in population databases (ExAC no frequency). This variant has not been reported in the literature in individuals with TSC1-related conditions. Experimental studies and prediction algorithms are not available or were not evaluated for this variant, and the functional significance of the affected amino acid(s) is currently unknown. In summary, the available evidence is currently insufficient to determine the role of this variant in disease. Therefore, it has been classified as a Variant of Uncertain Significance.